The following is an entry in ClinVar:

ClinVar aggregate classification (germline): Benign/Likely benign. Review status: criteria provided, multiple submitters, no conflicts (2 of 4 stars). 2 submissions from 2 submitters: Benign (1); Likely benign (1). Last evaluated 2025-02-05.

Conditions:
POLD1-related polyposis and colorectal cancer syndrome (CRCS10). Also called: Colorectal cancer 10; COLORECTAL CANCER, SUSCEPTIBILITY TO, ON CHROMOSOME 19q; Colorectal cancer, susceptibility to, 10. Identifiers: Orphanet 220460, MedGen C2675481, MONDO:0012953, OMIM 612591.

Submissions (2):

Myriad Genetics, Inc.
Classification: Benign for POLD1-related polyposis and colorectal cancer syndrome. Last evaluated: 2025-02-05. Review status: criteria provided, single submitter. Criteria: Myriad Autosomal Dominant, Autosomal Recessive and X-Linked Classification Criteria (2023). Collection method: clinical testing. Allele origin: unknown.
Comment: This variant is considered benign. This variant is a silent/synonymous amino acid change and it is not expected to impact splicing.

Labcorp Genetics (formerly Invitae), Labcorp
Classification: Likely benign for POLD1-related polyposis and colorectal cancer syndrome. Last evaluated: 2021-04-06. Review status: criteria provided, single submitter. Criteria: Invitae Variant Classification Sherloc (09022015). Collection method: clinical testing. Allele origin: germline.

NM_002691.4(POLD1):c.1179C>T (p.Ile393=)

Gene: POLD1 (DNA polymerase delta 1, catalytic subunit; plus strand). Cytogenetic location: 19q13.33.
Variant type: single nucleotide variant.
Coding change: c.1179C>T on transcript NM_002691.4 (MANE Select); coding-DNA position 1179, C replaced by T.
Protein change: p.Ile393=; no amino-acid change (isoleucine 393 retained).
Molecular consequence: synonymous variant. On other transcripts: non-coding transcript variant (1).
Genome position (GRCh38, 1-based): chr19:50,403,534, C>T. VCF-style: chr19-50403534-C-T. GRCh37 (hg19) VCF-style: chr19-50906791-C-T.
Other names: c.1179C>T, p.Ile393= (NM_001256849.1, NM_001308632.1).
Identifiers: ClinVar variation 1605793 (VCV001605793.9), dbSNP rs2122278219, ClinGen allele CA508183071.
Genomic context (GRCh38, chr19:50,403,534, plus strand): 5'-AATGTGCTCCCACCCCCAGGCCTGGTCCACCTTCATCCGTATCATGGACCCCGACGTGAT[C>T]ACCGGTTACAACATCCAGAACTTCGACCTTCCGTACCTCATCTCTCGGGCCCAGACCCTC-3'
Protein context (NP_002682.2, residues 383-403): TFIRIMDPDV[Ile393=]TGYNIQNFDL